The following is an entry in ClinVar:

NM_018100.4(EFHC1):c.1574C>T (p.Pro525Leu)

Gene: EFHC1 (EF-hand domain containing 1; plus strand). Cytogenetic location: 6p12.2.
Variant type: single nucleotide variant.
Coding change: c.1574C>T on transcript NM_018100.4 (MANE Select); coding-DNA position 1574, C replaced by T.
Protein change: p.Pro525Leu; replaces proline 525 with leucine.
Molecular consequence: missense variant. On other transcripts: non-coding transcript variant (1).
Genome position (GRCh38, 1-based): chr6:52,479,721, C>T. VCF-style: chr6-52479721-C-T. GRCh37 (hg19) VCF-style: chr6-52344519-C-T.
Other names: c.1517C>T, p.Pro506Leu (NM_001172420.2); short protein forms P506L, P525L.
Identifiers: ClinVar variation 1055947 (VCV001055947.10), dbSNP rs1433410236, ClinGen allele CA364458142.

ClinVar aggregate classification (germline): Uncertain significance (1 of 4 stars; one submission).

Conditions:
Myoclonic epilepsy, juvenile, susceptibility to, 1. Also called: Myoclonic Epilepsy, Juvenile, 1; EJM1. Identifiers: MedGen C1850778, MONDO:0020752, OMIM 254770.
Absence seizure. Also called: Absence epilepsy. Identifiers: Orphanet 1941, MedGen C0014553.

Submission:

Labcorp Genetics (formerly Invitae), Labcorp
Classification: Uncertain significance for Myoclonic epilepsy, juvenile, susceptibility to, 1; Absence seizure. Last evaluated: 2020-06-03. Review status: criteria provided, single submitter. Criteria: Invitae Variant Classification Sherloc (09022015). Collection method: clinical testing. Allele origin: germline.
Comment: In summary, the available evidence is currently insufficient to determine the role of this variant in disease. Therefore, it has been classified as a Variant of Uncertain Significance. Algorithms developed to predict the effect of missense changes on protein structure and function (SIFT, PolyPhen-2, Align-GVGD) all suggest that this variant is likely to be tolerated, but these predictions have not been confirmed by published functional studies and their clinical significance is uncertain. This sequence change replaces proline with leucine at codon 525 of the EFHC1 protein (p.Pro525Leu). The proline residue is moderately conserved and there is a moderate physicochemical difference between proline and leucine. This variant has not been reported in the literature in individuals with EFHC1-related conditions. This variant is not present in population databases (ExAC no frequency).